The following is an entry in ClinVar:

ClinVar aggregate classification (germline): Uncertain significance. Review status: criteria provided, single submitter (1 of 4 stars). 2 submissions from 2 submitters: Uncertain significance (1). 1 of the submissions does not count toward it. Last evaluated 2025-05-05.

Conditions:
CACNA1F-related disorder. Also called: CACNA1F-related condition.

Submissions (2):

Labcorp Genetics (formerly Invitae), Labcorp
Classification: Uncertain significance. Last evaluated: 2025-05-05. Review status: criteria provided, single submitter. Criteria: Invitae Variant Classification Sherloc (09022015). Collection method: clinical testing. Allele origin: germline.
Comment: This sequence change replaces cysteine, which is neutral and slightly polar, with phenylalanine, which is neutral and non-polar, at codon 602 of the CACNA1F protein (p.Cys602Phe). This variant is not present in population databases (gnomAD no frequency). This missense change has been observed in individual(s) with clinical features of CACNA1F-related conditions (internal data). ClinVar contains an entry for this variant (Variation ID: 1026870). Invitae Evidence Modeling of protein sequence and biophysical properties (such as structural, functional, and spatial information, amino acid conservation, physicochemical variation, residue mobility, and thermodynamic stability) indicates that this missense variant is not expected to disrupt CACNA1F protein function with a negative predictive value of 80%. In summary, the available evidence is currently insufficient to determine the role of this variant in disease. Therefore, it has been classified as a Variant of Uncertain Significance.

PreventionGenetics, part of Exact Sciences
Classification: Uncertain significance for CACNA1F-related condition. Last evaluated: 2024-06-27. Review status: no assertion criteria provided. Collection method: clinical testing. Allele origin: germline. Not counted in ClinVar's aggregate classification.
Comment: The CACNA1F c.1805G>T variant is predicted to result in the amino acid substitution p.Cys602Phe. To our knowledge, this variant has not been reported in the literature or in a large population database, indicating this variant is rare. At this time, the clinical significance of this variant is uncertain due to the absence of conclusive functional and genetic evidence.

NM_001256789.3(CACNA1F):c.1772G>T (p.Cys591Phe)

Gene: CACNA1F (calcium voltage-gated channel subunit alpha1 F; minus strand). Cytogenetic location: Xp11.23.
Variant type: single nucleotide variant.
Coding change: c.1772G>T on transcript NM_001256789.3 (MANE Select); coding-DNA position 1772, G replaced by T.
Protein change: p.Cys591Phe; replaces cysteine 591 with phenylalanine.
Molecular consequence: missense variant.
Genome position (GRCh38, 1-based): chrX:49,224,866, C>A on the plus strand (G>T on the coding strand, the complement: CACNA1F is on the minus strand). VCF-style: chrX-49224866-C-A. GRCh37 (hg19) VCF-style: chrX-49081328-C-A.
Other names: c.1610G>T, p.Cys537Phe (NM_001256790.3); c.1805G>T, p.Cys602Phe (NM_005183.4); c.1805G>T (NM_005183.3); short protein forms C537F, C591F, C602F.
Identifiers: ClinVar variation 1026870 (VCV001026870.9), dbSNP rs782273072, ClinGen allele CA412914825.